The following is an entry in ClinVar:

ClinVar aggregate classification (germline): Uncertain significance (1 of 4 stars; one submission).

Submission:

GeneDx
Classification: Uncertain significance. Last evaluated: 2024-08-30. Review status: criteria provided, single submitter. Criteria: GeneDx Variant Classification Process June 2021. Collection method: clinical testing. Allele origin: germline. Affected: yes.
Comment: Not observed at significant frequency in large population cohorts (gnomAD); In silico analysis supports that this missense variant has a deleterious effect on protein structure/function; Has not been previously published as pathogenic or benign to our knowledge

NM_001348323.3(TRIP12):c.5702T>G (p.Ile1901Arg)

Gene: TRIP12 (thyroid hormone receptor interactor 12; minus strand). Cytogenetic location: 2q36.3.
Variant type: single nucleotide variant.
Coding change: c.5702T>G on transcript NM_001348323.3 (MANE Select); coding-DNA position 5702, T replaced by G.
Protein change: p.Ile1901Arg; replaces isoleucine 1901 with arginine.
Molecular consequence: missense variant.
Genome position (GRCh38, 1-based): chr2:229,771,625, A>C on the plus strand (T>G on the coding strand, the complement: TRIP12 is on the minus strand). VCF-style: chr2-229771625-A-C. GRCh37 (hg19) VCF-style: chr2-230636341-A-C.
Other names: c.5621T>G, p.Ile1874Arg (NM_001284214.2, NM_001348315.2); c.5576T>G, p.Ile1859Arg (NM_001284215.2, NM_001348316.2); c.4667T>G, p.Ile1556Arg (NM_001284216.2); c.5561T>G, p.Ile1854Arg (NM_001348317.1, NM_001348318.2); c.5687T>G, p.Ile1896Arg (NM_001348319.1, NM_001348320.2); c.5690T>G, p.Ile1897Arg (NM_001348321.1); c.5702T>G, p.Ile1901Arg (NM_001348322.1, NM_001348324.2, NM_001348325.2 and 2 more transcripts); c.5705T>G, p.Ile1902Arg (NM_001348328.1, NM_001348329.2, NM_001348330.2); and 4 more; short protein forms I1556R, I1826R, I1827R, I1854R, I1859R, I1867R, I1874R, I1875R.
Identifiers: ClinVar variation 3765928 (VCV003765928.1).